The following is an entry in ClinVar:

NM_000179.3(MSH6):c.655A>G (p.Ser219Gly)

Gene: MSH6 (mutS homolog 6; plus strand). Cytogenetic location: 2p16.3.
Variant type: single nucleotide variant.
Coding change: c.655A>G on transcript NM_000179.3 (MANE Select); coding-DNA position 655, A replaced by G.
Protein change: p.Ser219Gly; replaces serine 219 with glycine.
Molecular consequence: missense variant. On other transcripts: 5 prime UTR variant (2).
Genome position (GRCh38, 1-based): chr2:47,798,638, A>G. VCF-style: chr2-47798638-A-G. GRCh37 (hg19) VCF-style: chr2-48025777-A-G.
Other names: c.265A>G, p.Ser89Gly (NM_001281492.2); c.-252A>G (NM_001281493.2, NM_001281494.2); short protein forms S219G, S89G.
Identifiers: ClinVar variation 1692268 (VCV001692268.5), dbSNP rs2104289193, ClinGen allele CA346739326.

ClinVar aggregate classification (germline): Uncertain significance. Review status: criteria provided, multiple submitters, no conflicts (2 of 4 stars). 3 submissions from 3 submitters: Uncertain significance (3). Last evaluated 2025-01-23.

Conditions:
Hereditary cancer-predisposing syndrome. Also called: Hereditary Cancer Syndrome; Hereditary neoplastic syndrome; Neoplastic Syndromes, Hereditary; Tumor predisposition. Identifiers: Orphanet 140162, MedGen C0027672, MeSH D009386, MONDO:0015356.
Hereditary nonpolyposis colorectal neoplasms. Identifiers: MedGen C0009405, MeSH D003123.

Submissions (3):

Labcorp Genetics (formerly Invitae), Labcorp
Classification: Uncertain significance for Hereditary nonpolyposis colorectal neoplasms. Last evaluated: 2025-01-23. Review status: criteria provided, single submitter. Criteria: Invitae Variant Classification Sherloc (09022015). Collection method: clinical testing. Allele origin: germline.
Comment: This sequence change replaces serine, which is neutral and polar, with glycine, which is neutral and non-polar, at codon 219 of the MSH6 protein (p.Ser219Gly). This variant is not present in population databases (gnomAD no frequency). This variant has not been reported in the literature in individuals affected with MSH6-related conditions. ClinVar contains an entry for this variant (Variation ID: 1692268). Invitae Evidence Modeling of protein sequence and biophysical properties (such as structural, functional, and spatial information, amino acid conservation, physicochemical variation, residue mobility, and thermodynamic stability) indicates that this missense variant is not expected to disrupt MSH6 protein function with a negative predictive value of 95%. In summary, the available evidence is currently insufficient to determine the role of this variant in disease. Therefore, it has been classified as a Variant of Uncertain Significance.

Sema4
Classification: Uncertain significance for Hereditary cancer-predisposing syndrome. Last evaluated: 2021-09-28. Review status: criteria provided, single submitter. Criteria: Sema4 Curation Guidelines. Collection method: curation. Allele origin: germline.
Comment: The MSH6 c.655A>G (p.S219G) variant has not been reported in the literature to our knowledge. It was not observed in the large and broad cohorts of the Genome Aggregation Database (PMID: 32461654), and has not been reported in ClinVar. Functional studies have not been performed, and in silico predictions of the variant's effect on protein function are inconclusive. The evidence is insufficient to meet ACMG/AMP criteria for classifying the variant as benign or pathogenic. Thus, the clinical significance of this variant is currently uncertain.

Ambry Genetics
Classification: Uncertain significance for Hereditary cancer-predisposing syndrome. Last evaluated: 2020-06-16. Review status: criteria provided, single submitter. Criteria: Ambry Variant Classification Scheme 2023. Collection method: clinical testing. Allele origin: germline.
Comment: The p.S219G variant (also known as c.655A>G), located in coding exon 4 of the MSH6 gene, results from an A to G substitution at nucleotide position 655. The serine at codon 219 is replaced by glycine, an amino acid with similar properties. This amino acid position is not well conserved in available vertebrate species. In addition, this alteration is predicted to be tolerated by in silico analysis. Since supporting evidence is limited at this time, the clinical significance of this alteration remains unclear.

Literature cited by the submitters: PubMed 32009247 (cited by Ambry Genetics).